The following is an entry in ClinVar:

ClinVar aggregate classification (germline): Uncertain significance (1 of 4 stars; one submission).

Allele frequency attached by ClinVar (database versions not stated): gnomAD exomes below 0.00001.
gnomAD v4.1: 2 of 1,613,938 alleles (0.00012%); highest among the groups gnomAD compares: African/African-American, 0.0027%; no homozygotes.

Submission:

GeneDx
Classification: Uncertain significance. Last evaluated: 2022-07-11. Review status: criteria provided, single submitter. Criteria: GeneDx Variant Classification Process June 2021. Collection method: clinical testing. Allele origin: germline. Affected: yes.
Comment: Not observed at significant frequency in large population cohorts (gnomAD); In silico analysis supports that this missense variant has a deleterious effect on protein structure/function; Has not been previously published as pathogenic or benign to our knowledge

NM_007118.4(TRIO):c.1346T>A (p.Ile449Asn)

Gene: TRIO (trio Rho guanine nucleotide exchange factor; plus strand). Cytogenetic location: 5p15.2.
Variant type: single nucleotide variant.
Coding change: c.1346T>A on transcript NM_007118.4 (MANE Select); coding-DNA position 1346, T replaced by A.
Protein change: p.Ile449Asn; replaces isoleucine 449 with asparagine.
Molecular consequence: missense variant. On other transcripts: non-coding transcript variant (1).
Genome position (GRCh38, 1-based): chr5:14,297,241, T>A. VCF-style: chr5-14297241-T-A. GRCh37 (hg19) VCF-style: chr5-14297350-T-A.
Other names: short protein forms I449N.
Identifiers: ClinVar variation 1878879 (VCV001878879.1), dbSNP rs2532179352, ClinGen allele CA359217071.